The following is an entry in ClinVar:

NM_004369.4(COL6A3):c.5752C>A (p.Arg1918Ser)

Gene: COL6A3 (collagen type VI alpha 3 chain; minus strand). Cytogenetic location: 2q37.3.
Variant type: single nucleotide variant.
Coding change: c.5752C>A on transcript NM_004369.4 (MANE Select); coding-DNA position 5752, C replaced by A.
Protein change: p.Arg1918Ser; replaces arginine 1918 with serine.
Molecular consequence: missense variant.
Genome position (GRCh38, 1-based): chr2:237,365,784, G>T on the plus strand (C>A on the coding strand, the complement: COL6A3 is on the minus strand). VCF-style: chr2-237365784-G-T. GRCh37 (hg19) VCF-style: chr2-238274427-G-T.
Other names: c.3931C>A, p.Arg1311Ser (NM_057166.5); c.5134C>A, p.Arg1712Ser (NM_057167.4); short protein forms R1918S, R1311S, R1712S.
Identifiers: ClinVar variation 476538 (VCV000476538.9), dbSNP rs750367811, ClinGen allele CA351185781.

ClinVar aggregate classification (germline): Uncertain significance (1 of 4 stars; one submission).

Conditions:
Bethlem myopathy 1A. Also called: Bethlem Muscular Dystrophy; MYOPATHY, BENIGN CONGENITAL, WITH CONTRACTURES; Bethlem myopathy 1. Identifiers: Orphanet 610, MedGen CN029274, MONDO:0024530, OMIM 158810.

gnomAD v4.1: 1 of 1,614,088 alleles (0.000062%); highest among the groups gnomAD compares: Non-Finnish European, 0.000085%; no homozygotes.

Submission:

Labcorp Genetics (formerly Invitae), Labcorp
Classification: Uncertain significance for Bethlem myopathy 1A. Last evaluated: 2024-02-24. Review status: criteria provided, single submitter. Criteria: Invitae Variant Classification Sherloc (09022015). Collection method: clinical testing. Allele origin: germline.
Comment: This sequence change replaces arginine, which is basic and polar, with serine, which is neutral and polar, at codon 1918 of the COL6A3 protein (p.Arg1918Ser). This variant is not present in population databases (gnomAD no frequency). This variant has not been reported in the literature in individuals affected with COL6A3-related conditions. ClinVar contains an entry for this variant (Variation ID: 476538). Advanced modeling of protein sequence and biophysical properties (such as structural, functional, and spatial information, amino acid conservation, physicochemical variation, residue mobility, and thermodynamic stability) performed at Invitae indicates that this missense variant is not expected to disrupt COL6A3 protein function with a negative predictive value of 80%. In summary, the available evidence is currently insufficient to determine the role of this variant in disease. Therefore, it has been classified as a Variant of Uncertain Significance.